The following is an entry in ClinVar:

ClinVar aggregate classification (germline): Uncertain significance (1 of 4 stars; one submission).

Conditions:
Hereditary cancer-predisposing syndrome. Also called: Neoplastic Syndromes, Hereditary; Tumor predisposition; Hereditary neoplastic syndrome; Hereditary Cancer Syndrome. Identifiers: Orphanet 140162, MedGen C0027672, MeSH D009386, MONDO:0015356.

Submission:

Ambry Genetics
Classification: Uncertain significance for Hereditary cancer-predisposing syndrome. Last evaluated: 2023-11-20. Review status: criteria provided, single submitter. Criteria: Ambry Variant Classification Scheme 2023. Collection method: clinical testing. Allele origin: germline.
Comment: The p.A313D variant (also known as c.938C>A), located in coding exon 10 of the NF2 gene, results from a C to A substitution at nucleotide position 938. The alanine at codon 313 is replaced by aspartic acid, an amino acid with dissimilar properties. This amino acid position is conserved. In addition, the in silico prediction for this alteration is inconclusive. Since supporting evidence is limited at this time, the clinical significance of this alteration remains unclear.

NM_000268.4(NF2):c.938C>A (p.Ala313Asp)

Gene: NF2 (NF2, moesin-ezrin-radixin like (MERLIN) tumor suppressor; plus strand). Cytogenetic location: 22q12.2.
Variant type: single nucleotide variant.
Coding change: c.938C>A on transcript NM_000268.4 (MANE Select); coding-DNA position 938, C replaced by A.
Protein change: p.Ala313Asp; replaces alanine 313 with aspartic acid.
Molecular consequence: missense variant. On other transcripts: non-coding transcript variant (1), intron variant (1).
Genome position (GRCh38, 1-based): chr22:29,668,385, C>A. VCF-style: chr22-29668385-C-A. GRCh37 (hg19) VCF-style: chr22-30064374-C-A.
Other names: c.824C>A, p.Ala275Asp (NM_001407053.1, NM_001407056.1); c.815C>A, p.Ala272Asp (NM_001407054.1, NM_001407058.1, NM_181829.3); c.812C>A, p.Ala271Asp (NM_001407055.1, NM_181828.3); c.803C>A, p.Ala268Asp (NM_001407057.1, NM_001407059.1); c.938C>A, p.Ala313Asp (NM_001407060.1, NM_001407066.1, NM_016418.5 and 2 more transcripts); c.680C>A, p.Ala227Asp (NM_001407062.1); c.689C>A, p.Ala230Asp (NM_001407063.1, NM_001407064.1, NM_181830.3 and 1 more transcripts); c.404C>A, p.Ala135Asp (NM_001407065.1); and 2 more; short protein forms A135D, A227D, A230D, A236D, A268D, A271D, A272D, A275D.
Identifiers: ClinVar variation 3231115 (VCV003231115.1), dbSNP rs2518645718, ClinGen allele CA411145829.